The following is an entry in ClinVar:

ClinVar aggregate classification (germline): Uncertain significance. Review status: criteria provided, multiple submitters, no conflicts (2 of 4 stars). 3 submissions from 3 submitters: Uncertain significance (3). Last evaluated 2024-09-30.

Conditions:
Inborn genetic diseases. Identifiers: MedGen C0950123, MeSH D030342.
Sucrase-isomaltase deficiency (CSID). Also called: Deficiency of isomaltase; SI DEFICIENCY; Congenital sucrose isomaltose malabsorption; Sucrose isomaltose enzyme deficiency. Identifiers: Orphanet 35122, MedGen C1283620, MONDO:0009114, OMIM 222900.

Allele frequency attached by ClinVar (database versions not stated): gnomAD exomes 0.00001 and 0.00002; ExAC 0.00002; TOPMed 0.00002; gnomAD 0.00003 and 0.00004; ESP Exome Variant Server 0.00015.
gnomAD v4.1: 19 of 1,613,430 alleles (0.0012%); highest among the groups gnomAD compares: Admixed American, 0.0017%; no homozygotes.

Submissions (3):

Ambry Genetics
Classification: Uncertain significance for Inborn genetic diseases. Last evaluated: 2024-09-30. Review status: criteria provided, single submitter. Criteria: Ambry Variant Classification Scheme 2023. Collection method: clinical testing. Allele origin: germline.

Labcorp Genetics (formerly Invitae), Labcorp
Classification: Uncertain significance. Last evaluated: 2022-06-07. Review status: criteria provided, single submitter. Criteria: Invitae Variant Classification Sherloc (09022015). Collection method: clinical testing. Allele origin: germline.
Comment: This sequence change replaces valine, which is neutral and non-polar, with isoleucine, which is neutral and non-polar, at codon 1319 of the SI protein (p.Val1319Ile). This variant is present in population databases (rs376972966, gnomAD 0.005%). This variant has not been reported in the literature in individuals affected with SI-related conditions. Advanced modeling of protein sequence and biophysical properties (such as structural, functional, and spatial information, amino acid conservation, physicochemical variation, residue mobility, and thermodynamic stability) performed at Invitae indicates that this missense variant is expected to disrupt SI protein function. In summary, the available evidence is currently insufficient to determine the role of this variant in disease. Therefore, it has been classified as a Variant of Uncertain Significance.

Fulgent Genetics
Classification: Uncertain significance for Sucrase-isomaltase deficiency. Last evaluated: 2022-01-25. Review status: criteria provided, single submitter. Criteria: ACMG Guidelines, 2015. Collection method: clinical testing. Allele origin: unknown.

NM_001041.4(SI):c.3955G>A (p.Val1319Ile)

Gene: SI (sucrase-isomaltase; minus strand). Cytogenetic location: 3q26.1.
Variant type: single nucleotide variant.
Coding change: c.3955G>A on transcript NM_001041.4 (MANE Select); coding-DNA position 3955, G replaced by A.
Protein change: p.Val1319Ile; replaces valine 1319 with isoleucine.
Molecular consequence: missense variant.
Genome position (GRCh38, 1-based): chr3:165,015,167, C>T on the plus strand (G>A on the coding strand, the complement: SI is on the minus strand). VCF-style: chr3-165015167-C-T. GRCh37 (hg19) VCF-style: chr3-164732955-C-T.
Other names: c.3955G>A (NM_001041.3); short protein forms V1319I.
Identifiers: ClinVar variation 1501072 (VCV001501072.7), dbSNP rs376972966, ClinGen allele CA2690087.